The following is an entry in ClinVar:

ClinVar aggregate classification (germline): Uncertain significance. Review status: criteria provided, multiple submitters, no conflicts (2 of 4 stars). 2 submissions from 2 submitters: Uncertain significance (2). Last evaluated 2024-08-12.

Conditions:
Hereditary pancreatitis (PCTT). Also called: PRSS1-Related Hereditary Pancreatitis; Hereditary chronic pancreatitis. Identifiers: Orphanet 676, MedGen C0238339, MONDO:0008185, OMIM 167800.

Allele frequency attached by ClinVar (database versions not stated): gnomAD exomes below 0.00001; TOPMed 0.00001.
gnomAD v4.1: 1 of 1,614,156 alleles (0.000062%); highest among the groups gnomAD compares: Middle Eastern, 0.016%; no homozygotes.

Submissions (2):

Ambry Genetics
Classification: Uncertain significance for Hereditary pancreatitis. Last evaluated: 2024-08-12. Review status: criteria provided, single submitter. Criteria: Ambry Variant Classification Scheme 2023. Collection method: clinical testing. Allele origin: germline.
Comment: The p.L91M variant (also known as c.271C>A), located in coding exon 4 of the CTRC gene, results from a C to A substitution at nucleotide position 271. The leucine at codon 91 is replaced by methionine, an amino acid with highly similar properties. This amino acid position is conserved. In addition, the in silico prediction for this alteration is inconclusive. Based on the available evidence, the clinical significance of this variant remains unclear.

Labcorp Genetics (formerly Invitae), Labcorp
Classification: Uncertain significance for Hereditary pancreatitis. Last evaluated: 2022-02-19. Review status: criteria provided, single submitter. Criteria: Invitae Variant Classification Sherloc (09022015). Collection method: clinical testing. Allele origin: germline.
Comment: This sequence change replaces leucine, which is neutral and non-polar, with methionine, which is neutral and non-polar, at codon 91 of the CTRC protein (p.Leu91Met). This variant is not present in population databases (gnomAD no frequency). This variant has not been reported in the literature in individuals affected with CTRC-related conditions. ClinVar contains an entry for this variant (Variation ID: 650512). Algorithms developed to predict the effect of missense changes on protein structure and function are either unavailable or do not agree on the potential impact of this missense change (SIFT: "Deleterious"; PolyPhen-2: "Possibly Damaging"; Align-GVGD: "Class C0"). In summary, the available evidence is currently insufficient to determine the role of this variant in disease. Therefore, it has been classified as a Variant of Uncertain Significance.

NM_007272.3(CTRC):c.271C>A (p.Leu91Met)

Gene: CTRC (chymotrypsin C; plus strand). Cytogenetic location: 1p36.21.
Variant type: single nucleotide variant.
Coding change: c.271C>A on transcript NM_007272.3 (MANE Select); coding-DNA position 271, C replaced by A.
Protein change: p.Leu91Met; replaces leucine 91 with methionine.
Molecular consequence: missense variant.
Genome position (GRCh38, 1-based): chr1:15,442,487, C>A. VCF-style: chr1-15442487-C-A. GRCh37 (hg19) VCF-style: chr1-15768983-C-A.
Other names: short protein forms L91M.
Identifiers: ClinVar variation 650512 (VCV000650512.7), dbSNP rs1407562830, ClinGen allele CA338565403.
Genomic context (GRCh38, chr1:15,442,487, plus strand): 5'-GGACCCCTTCCTCTGCCCAGCAACACCCGGACCTACCGTGTGGCCGTGGGAAAGAACAAC[C>A]TGGAGGTGGAAGACGAAGAAGGATCCCTGTTTGTGGGTGTGGACACCATCCACGTCCACA-3'
Protein context (NP_009203.2, residues 81-101): TYRVAVGKNN[Leu91Met]EVEDEEGSLF